The following is an entry in ClinVar:

NM_001130144.3(LTBP3):c.3674G>A (p.Ser1225Asn)

Gene: LTBP3 (latent transforming growth factor beta binding protein 3; minus strand). Cytogenetic location: 11q13.1.
Variant type: single nucleotide variant.
Coding change: c.3674G>A on transcript NM_001130144.3 (MANE Select); coding-DNA position 3674, G replaced by A.
Protein change: p.Ser1225Asn; replaces serine 1225 with asparagine.
Molecular consequence: missense variant.
Genome position (GRCh38, 1-based): chr11:65,539,414, C>T on the plus strand (G>A on the coding strand, the complement: LTBP3 is on the minus strand). VCF-style: chr11-65539414-C-T. GRCh37 (hg19) VCF-style: chr11-65306885-C-T.
Other names: c.3182G>A, p.Ser1061Asn (NM_001164266.1); c.3533G>A, p.Ser1178Asn (NM_021070.4); short protein forms S1225N, S1061N, S1178N.
Identifiers: ClinVar variation 1399312 (VCV001399312.8), dbSNP rs141017996, ClinGen allele CA6100201.

ClinVar aggregate classification (germline): Uncertain significance. Review status: criteria provided, multiple submitters, no conflicts (2 of 4 stars). 2 submissions from 2 submitters: Uncertain significance (2). Last evaluated 2024-10-23.

Conditions:
Inborn genetic diseases. Identifiers: MedGen C0950123, MeSH D030342.
Brachyolmia-amelogenesis imperfecta syndrome. Also called: Tooth agenesis, selective, 6; Dental anomalies and short stature; PLATYSPONDYLY WITH AMELOGENESIS IMPERFECTA. Identifiers: Orphanet 2899, MedGen C1832594, MONDO:0011018, OMIM 601216. Disease mechanism: loss of function.

Allele frequency attached by ClinVar (database versions not stated): gnomAD 0.00001; gnomAD exomes 0.00001 and 0.00003; TOPMed 0.00002; ExAC 0.00006; ESP Exome Variant Server 0.00008.
gnomAD v4.1: 39 of 1,550,892 alleles (0.0025%); highest among the groups gnomAD compares: Non-Finnish European, 0.0033%; no homozygotes.

Submissions (2):

Labcorp Genetics (formerly Invitae), Labcorp
Classification: Uncertain significance for Brachyolmia-amelogenesis imperfecta syndrome. Last evaluated: 2024-10-23. Review status: criteria provided, single submitter. Criteria: Invitae Variant Classification Sherloc (09022015). Collection method: clinical testing. Allele origin: germline.
Comment: This sequence change replaces serine, which is neutral and polar, with asparagine, which is neutral and polar, at codon 1225 of the LTBP3 protein (p.Ser1225Asn). This variant is present in population databases (rs141017996, gnomAD 0.002%). This variant has not been reported in the literature in individuals affected with LTBP3-related conditions. ClinVar contains an entry for this variant (Variation ID: 1399312). An algorithm developed to predict the effect of missense changes on protein structure and function (PolyPhen-2) suggests that this variant is likely to be tolerated. In summary, the available evidence is currently insufficient to determine the role of this variant in disease. Therefore, it has been classified as a Variant of Uncertain Significance.

Ambry Genetics
Classification: Uncertain significance for Inborn genetic diseases. Last evaluated: 2021-10-07. Review status: criteria provided, single submitter. Criteria: Ambry Variant Classification Scheme 2023. Collection method: clinical testing. Allele origin: germline.
Comment: The p.S1225N variant (also known as c.3674G>A), located in coding exon 27 of the LTBP3 gene, results from a G to A substitution at nucleotide position 3674. The serine at codon 1225 is replaced by asparagine, an amino acid with highly similar properties. This amino acid position is conserved. In addition, this alteration is predicted to be tolerated by in silico analysis. Since supporting evidence is limited at this time, the clinical significance of this alteration remains unclear.